The following is an entry in ClinVar:

ClinVar aggregate classification (germline): Uncertain significance (1 of 4 stars; one submission).

Allele frequency attached by ClinVar (database versions not stated): gnomAD exomes 0.00002.
gnomAD v4.1: 21 of 1,539,886 alleles (0.0014%); highest among the groups gnomAD compares: Non-Finnish European, 0.0019%; no homozygotes.

Submission:

Labcorp Genetics (formerly Invitae), Labcorp
Classification: Uncertain significance. Last evaluated: 2023-04-01. Review status: criteria provided, single submitter. Criteria: Invitae Variant Classification Sherloc (09022015). Collection method: clinical testing. Allele origin: germline.
Comment: An algorithm developed to predict the effect of missense changes on protein structure and function (PolyPhen-2) suggests that this variant is likely to be tolerated. This sequence change replaces arginine, which is basic and polar, with glycine, which is neutral and non-polar, at codon 448 of the GUF1 protein (p.Arg448Gly). This variant is not present in population databases (gnomAD no frequency). This variant has not been reported in the literature in individuals affected with GUF1-related conditions. In summary, the available evidence is currently insufficient to determine the role of this variant in disease. Therefore, it has been classified as a Variant of Uncertain Significance.

NM_021927.3(GUF1):c.1342A>G (p.Arg448Gly)

Gene: GUF1 (GTP binding elongation factor GUF1; plus strand). Cytogenetic location: 4p12.
Variant type: single nucleotide variant.
Coding change: c.1342A>G on transcript NM_021927.3 (MANE Select); coding-DNA position 1342, A replaced by G.
Protein change: p.Arg448Gly; replaces arginine 448 with glycine.
Molecular consequence: missense variant.
Genome position (GRCh38, 1-based): chr4:44,690,723, A>G. VCF-style: chr4-44690723-A-G. GRCh37 (hg19) VCF-style: chr4-44692740-A-G.
Other names: c.370A>G, p.Arg124Gly (NM_001345867.2, NM_001345869.2); c.1342A>G, p.Arg448Gly (NM_001345868.2); short protein forms R448G, R124G.
Identifiers: ClinVar variation 2780591 (VCV002780591.3), dbSNP rs1403405904, ClinGen allele CA356763734.